The following is an entry in ClinVar:

ClinVar aggregate classification (germline): Uncertain significance (1 of 4 stars; one submission).

Submission:

GeneDx
Classification: Uncertain significance. Last evaluated: 2024-08-28. Review status: criteria provided, single submitter. Criteria: GeneDx Variant Classification Process June 2021. Collection method: clinical testing. Allele origin: germline. Affected: yes.
Comment: In silico analysis indicates that this variant does not alter splicing; Has not been previously published as pathogenic or benign to our knowledge; Reported using an alternate transcript of the gene

NM_001032283.3(TMPO):c.795A>G (p.Ser265=)

Gene: TMPO (thymopoietin; plus strand). Cytogenetic location: 12q23.1.
Variant type: single nucleotide variant.
Coding change: c.795A>G on transcript NM_001032283.3 (MANE Select); coding-DNA position 795, A replaced by G.
Protein change: p.Ser265=; no amino-acid change (serine 265 retained).
Molecular consequence: synonymous variant. On other transcripts: intron variant (1).
Genome position (GRCh38, 1-based): chr12:98,544,453, A>G. VCF-style: chr12-98544453-A-G. GRCh37 (hg19) VCF-style: chr12-98938231-A-G.
Other names: c.675A>G, p.Ser225= (NM_001307975.2); c.664-1906A>G (NM_001032284.3).
Identifiers: ClinVar variation 3765893 (VCV003765893.1).